The following is an entry in ClinVar:

NM_006947.4(SRP72):c.588G>A (p.Met196Ile)

Gene: SRP72 (signal recognition particle 72; plus strand). Cytogenetic location: 4q12.
Variant type: single nucleotide variant.
Coding change: c.588G>A on transcript NM_006947.4 (MANE Select); coding-DNA position 588, G replaced by A.
Protein change: p.Met196Ile; replaces methionine 196 with isoleucine.
Molecular consequence: missense variant. On other transcripts: non-coding transcript variant (1).
Genome position (GRCh38, 1-based): chr4:56,474,369, G>A. VCF-style: chr4-56474369-G-A. GRCh37 (hg19) VCF-style: chr4-57340535-G-A.
Other names: c.588G>A, p.Met196Ile (NM_001267722.2); short protein forms M196I.
Identifiers: ClinVar variation 5030231 (VCV005030231.1).

ClinVar aggregate classification (germline): Uncertain significance (1 of 4 stars; one submission).

Submission:

Ambry Genetics
Classification: Uncertain significance. Last evaluated: 2026-07-13. Review status: criteria provided, single submitter. Criteria: Ambry Variant Classification Scheme 2023. Collection method: clinical testing. Allele origin: germline.
Comment: The p.M196I variant (also known as c.588G>A), located in coding exon 5 of the SRP72 gene, results from a G to A substitution at nucleotide position 588. The methionine at codon 196 is replaced by isoleucine, an amino acid with highly similar properties. This amino acid position is conserved. In addition, the in silico prediction for this alteration is inconclusive. Based on the available evidence, the clinical significance of this variant remains unclear.